The following is an entry in ClinVar:

ClinVar aggregate classification (germline): Conflicting classifications of pathogenicity. Review status: criteria provided, conflicting classifications (1 of 4 stars). 4 submissions from 4 submitters: Uncertain significance (3); Likely benign (1). Last evaluated 2024-04-08.

Conditions:
Hereditary cancer-predisposing syndrome. Also called: Hereditary neoplastic syndrome; Tumor predisposition; Neoplastic Syndromes, Hereditary; Hereditary Cancer Syndrome. Identifiers: Orphanet 140162, MedGen C0027672, MeSH D009386, MONDO:0015356.
Hereditary breast ovarian cancer syndrome. Also called: Hereditary breast and ovarian cancer syndrome (HBOC); Hereditary breast and/or ovarian cancer syndrome; Hereditary breast and ovarian cancer; BRCA1- and BRCA2-Associated Hereditary Breast and Ovarian Cancer; Hereditary breast and ovarian cancer syndrome; Breast and ovarian cancer. Identifiers: Orphanet 145, MedGen C0677776, MeSH D061325, MONDO:0003582. Disease mechanism: loss of function.
Breast-ovarian cancer, familial, susceptibility to, 1 (BROVCA1). Also called: BRCA1 Hereditary Breast and Ovarian Cancer; OVARIAN CANCER, SUSCEPTIBILITY TO. Identifiers: Orphanet 145, MedGen C2676676, MONDO:0011450, OMIM 604370. Disease mechanism: loss of function.

Submissions (4):

Labcorp Genetics (formerly Invitae), Labcorp
Classification: Uncertain significance for Hereditary breast ovarian cancer syndrome. Last evaluated: 2024-04-08. Review status: criteria provided, single submitter. Criteria: Invitae Variant Classification Sherloc (09022015). Collection method: clinical testing. Allele origin: germline.
Comment: This sequence change replaces glutamic acid, which is acidic and polar, with lysine, which is basic and polar, at codon 349 of the BRCA1 protein (p.Glu349Lys). This variant is not present in population databases (gnomAD no frequency). This variant has not been reported in the literature in individuals affected with BRCA1-related conditions. ClinVar contains an entry for this variant (Variation ID: 922205). Advanced modeling of protein sequence and biophysical properties (such as structural, functional, and spatial information, amino acid conservation, physicochemical variation, residue mobility, and thermodynamic stability) performed at Invitae indicates that this missense variant is not expected to disrupt BRCA1 protein function with a negative predictive value of 95%. In summary, the available evidence is currently insufficient to determine the role of this variant in disease. Therefore, it has been classified as a Variant of Uncertain Significance.

All of Us Research Program, National Institutes of Health
Classification: Uncertain significance for Breast-ovarian cancer, familial, susceptibility to, 1. Last evaluated: 2023-05-04. Review status: criteria provided, single submitter. Criteria: ACMG Guidelines, 2015. Collection method: clinical testing. Allele origin: germline. Inheritance: Autosomal dominant inheritance. Observed: 1 variant allele, 1 heterozygote.
Comment: This missense variant replaces glutamic acid with lysine at codon 349 of the BRCA1 protein. Computational prediction is inconclusive regarding the impact of this variant on protein structure and function (internally defined REVEL score threshold 0.5 < inconclusive < 0.7, PMID: 27666373). To our knowledge, functional studies have not been reported for this variant. This variant has not been reported in individuals affected with BRCA1-related disorders in the literature. This variant has not been identified in the general population by the Genome Aggregation Database (gnomAD). The available evidence is insufficient to determine the role of this variant in disease conclusively. Therefore, this variant is classified as a Variant of Uncertain Significance.

This study involves interpretation of variants in research participants for the purpose of population health screening. Participant phenotype was not available at the time of variant classification. Additional details can be found in publication PMID: 35346344, PMCID: PMC8962531

Color Diagnostics, LLC DBA Color Health
Classification: Uncertain significance for Hereditary cancer-predisposing syndrome. Last evaluated: 2023-04-19. Review status: criteria provided, single submitter. Criteria: ACMG Guidelines, 2015. Collection method: clinical testing. Allele origin: germline.
Comment: This missense variant replaces glutamic acid with lysine at codon 349 of the BRCA1 protein. Computational prediction is inconclusive regarding the impact of this variant on protein structure and function (internally defined REVEL score threshold 0.5 < inconclusive < 0.7, PMID: 27666373). To our knowledge, functional studies have not been reported for this variant. This variant has not been reported in individuals affected with BRCA1-related disorders in the literature. This variant has not been identified in the general population by the Genome Aggregation Database (gnomAD). The available evidence is insufficient to determine the role of this variant in disease conclusively. Therefore, this variant is classified as a Variant of Uncertain Significance.

University of Washington Department of Laboratory Medicine, University of Washington
Classification: Likely benign for Hereditary cancer-predisposing syndrome. Last evaluated: 2023-03-23. Review status: criteria provided, single submitter. Criteria: Dines et al. (Genet Med. 2020). Collection method: curation. Allele origin: germline.
Comment: Missense variant in a coldspot region where missense variants are very unlikely to be pathogenic (PMID:31911673).

BRCA1 coldspot (exon 11 using historical exon numbering). Reclassification based on statistical prior probability

NM_007294.4(BRCA1):c.1045G>A (p.Glu349Lys)

Gene: BRCA1 (BRCA1 DNA repair associated; minus strand). Cytogenetic location: 17q21.31.
Variant type: single nucleotide variant.
Coding change: c.1045G>A on transcript NM_007294.4 (MANE Select); coding-DNA position 1045, G replaced by A.
Protein change: p.Glu349Lys; replaces glutamic acid 349 with lysine.
Molecular consequence: missense variant. On other transcripts: intron variant (137).
Genome position (GRCh38, 1-based): chr17:43,094,486, C>T on the plus strand (G>A on the coding strand, the complement: BRCA1 is on the minus strand). VCF-style: chr17-43094486-C-T. GRCh37 (hg19) VCF-style: chr17-41246503-C-T.
Other names: c.283+258G>A (NM_001408512.1); c.406+258G>A (NM_001408510.1); c.643+258G>A (NM_001408470.1, NM_001408464.1, NM_001408468.1 and 3 more transcripts); c.646+258G>A (NM_001408469.1, NM_001408453.1, NM_001408461.1 and 11 more transcripts); c.784+258G>A (NM_001408397.1, NM_001408401.1, NM_001408396.1 and 13 more transcripts); c.664+258G>A (NM_001408436.1, NM_001408444.1, NM_001408438.1 and 12 more transcripts); c.787+258G>A (NM_001407980.1, NM_001407993.1, NM_001407976.1 and 19 more transcripts); c.652+258G>A (NM_001408451.1); and 40 more; short protein forms E349K, E302K, E181K, E260K, E261K, E282K, E346K, E238K.
Identifiers: ClinVar variation 922205 (VCV000922205.16), dbSNP rs80357338, ClinGen allele CA10599974.